The following is an entry in ClinVar:

ClinVar aggregate classification (germline): Uncertain significance (1 of 4 stars; one submission).

Conditions:
Cardiomyopathy (CMYO). Also called: Cardiomyopathies. Identifiers: Orphanet 167848, MedGen C0878544, MONDO:0004994, HP:0001638. Inheritance: Various modes of inheritance.

Allele frequency attached by ClinVar (database versions not stated): gnomAD exomes below 0.00001.
gnomAD v4.1: 1 of 1,612,818 alleles (0.000062%); highest among the groups gnomAD compares: Non-Finnish European, 0.000085%; no homozygotes.

Submission:

Color Diagnostics, LLC DBA Color Health
Classification: Uncertain significance for Cardiomyopathy. Last evaluated: 2019-11-15. Review status: criteria provided, single submitter. Criteria: ACMG Guidelines, 2015. Collection method: clinical testing. Allele origin: germline.
Comment: This variant causes a C>A nucleotide substitution at the -3 position of intron 8 of the TNNT2 gene. Splice prediction tools suggest that this variant may impact RNA splicing. To our knowledge, functional studies have not been performed for this variant. This variant has not been reported in individuals affected with cardiovascular disorders in the literature. This variant has not been identified in the general population by the Genome Aggregation Database (gnomAD). The available evidence is insufficient to determine the role of this variant in disease conclusively. Therefore, this variant is classified as a Variant of Uncertain Significance.

NM_001276345.2(TNNT2):c.295-3C>A

Gene: TNNT2 (troponin T2, cardiac type; minus strand). Cytogenetic location: 1q32.1.
Variant type: single nucleotide variant.
Coding change: c.295-3C>A on transcript NM_001276345.2 (MANE Select); 3 bases into the intron before coding-DNA position 295, C replaced by A.
Molecular consequence: intron variant.
Genome position (GRCh38, 1-based): chr1:201,365,310, G>T on the plus strand (C>A on the coding strand, the complement: TNNT2 is on the minus strand). VCF-style: chr1-201365310-G-T. GRCh37 (hg19) VCF-style: chr1-201334438-G-T.
Other names: c.250-3C>A (NM_001001432.3); c.265-3C>A (NM_001001431.3, NM_001001430.3, NM_001276347.2); c.291+300C>A (NM_001276346.2); c.295-3C>A (NM_000364.4).
Identifiers: ClinVar variation 918298 (VCV000918298.3), dbSNP rs1659453460, ClinGen allele CA1139655551.
Genomic context (GRCh38, chr1:201,365,310, plus strand): 5'-CCTCGATCAGCGCCTGCAACTCATTCAGGTCCTTCTCCATGCGCTTCCGGTGGATGTCCT[G>T]TGGGTGGACCGCTGCGGCTCAGAGGCTGCCACTCCAAAGAGTCCAGAGGAGAGATGGGTG-3'